The following is an entry in ClinVar:

ClinVar aggregate classification (germline): Uncertain significance (1 of 4 stars; one submission).

Conditions:
ABCA13-related disorder. Also called: ABCA13-related condition.

Allele frequency attached by ClinVar (database versions not stated): gnomAD exomes below 0.00001.
gnomAD v4.1: 2 of 1,613,110 alleles (0.00012%); highest among the groups gnomAD compares: Non-Finnish European, 0.000085%; no homozygotes.

Submission:

PreventionGenetics, part of Exact Sciences
Classification: Uncertain significance for ABCA13-related condition. Last evaluated: 2023-09-11. Review status: criteria provided, single submitter. Criteria: ACMG Guidelines, 2015. Collection method: clinical testing. Allele origin: germline.
Comment: The ABCA13 c.287+5G>A variant is predicted to interfere with splicing. To our knowledge, this variant has not been reported in the literature or in a large population database, indicating this variant is rare. At this time, the clinical significance of this variant is uncertain due to the absence of conclusive functional and genetic evidence.

NM_152701.5(ABCA13):c.287+5G>A

Gene: ABCA13 (ATP binding cassette subfamily A member 13; plus strand). Cytogenetic location: 7p12.3.
Variant type: single nucleotide variant.
Coding change: c.287+5G>A on transcript NM_152701.5 (MANE Select); 5 bases into the intron after coding-DNA position 287, G replaced by A.
Molecular consequence: intron variant.
Genome position (GRCh38, 1-based): chr7:48,198,365, G>A. VCF-style: chr7-48198365-G-A. GRCh37 (hg19) VCF-style: chr7-48237962-G-A.
Identifiers: ClinVar variation 2635850 (VCV002635850.1), dbSNP rs1798223097, ClinGen allele CA1705511018.